The following is an entry in ClinVar:

ClinVar aggregate classification (germline): Likely benign (0 of 4 stars; one submission).

Conditions:
CLPTM1L-related disorder. Also called: CLPTM1L-related condition.

Allele frequency attached by ClinVar (database versions not stated): gnomAD exomes 0.00024; ExAC 0.00078; 1000 Genomes Project 30x 0.00203; 1000 Genomes Project 0.00220; gnomAD 0.00265; ESP Exome Variant Server 0.00369.
gnomAD v4.1: 752 of 1,608,840 alleles (0.047%); highest among the groups gnomAD compares: African/African-American, 0.9%; 5 homozygotes.

Submissions (3):

PreventionGenetics, part of Exact Sciences
Classification: Likely benign for CLPTM1L-related condition. Last evaluated: 2019-04-24. Review status: no assertion criteria provided. Collection method: clinical testing. Allele origin: germline.
Comment: This variant is classified as likely benign based on ACMG/AMP sequence variant interpretation guidelines (Richards et al. 2015 PMID: 25741868, with internal and published modifications).

Dr. Peter K. Rogan Lab, Western University
No classification provided (evidence only). Condition: Familial cancer of breast. Review status: no classification provided. Collection method: in vitro. Allele origin: not applicable. Functional consequence: retained intron. Not counted in ClinVar's aggregate classification.

Dr. Peter K. Rogan Lab, Western University
No classification provided (evidence only). Condition: Cervical cancer. Review status: no classification provided. Collection method: in vitro. Allele origin: not applicable. Functional consequence: retained intron. Not counted in ClinVar's aggregate classification.

NM_030782.5(CLPTM1L):c.1281-8C>T

Gene: CLPTM1L (CLPTM1 like). Cytogenetic location: 5p15.33.
Variant type: single nucleotide variant.
Coding change: c.1281-8C>T on transcript NM_030782.5 (MANE Select); 8 bases into the intron before coding-DNA position 1281, C replaced by T.
Molecular consequence: intron variant.
Genome position (GRCh38, 1-based): chr5:1,322,919, G>A on the plus strand (C>T on the coding strand, the complement: CLPTM1L is on the minus strand). VCF-style: chr5-1322919-G-A. GRCh37 (hg19) VCF-style: chr5-1323034-G-A.
Other names: NC_000005.9:g.1323034G>A.
Identifiers: ClinVar variation 3045755 (VCV003045755.3), dbSNP rs142887696, ClinGen allele CA3185194.
Genomic context (GRCh38, chr5:1,322,919, plus strand): 5'-GGAAGCACATGGACTCACCGTTGACGAAGCTGTTGATTAACCAGGAGTACCAGCTGAAAC[G>A]GAAAAAAAAGGAGAAGTCCTATTTCTCGCATAGCTTAATATCTGTATTAAATTGATGAAA-3'